The following is an entry in ClinVar:

NM_000070.3(CAPN3):c.326C>A (p.Pro109His)

Gene: CAPN3 (calpain 3; plus strand). Cytogenetic location: 15q15.1.
Variant type: single nucleotide variant.
Coding change: c.326C>A on transcript NM_000070.3 (MANE Select); coding-DNA position 326, C replaced by A.
Protein change: p.Pro109His; replaces proline 109 with histidine.
Molecular consequence: missense variant.
Genome position (GRCh38, 1-based): chr15:42,384,499, C>A. VCF-style: chr15-42384499-C-A. GRCh37 (hg19) VCF-style: chr15-42676697-C-A.
Other names: c.326C>A, p.Pro109His (NM_173087.2, NM_024344.2); short protein forms P109H.
Identifiers: ClinVar variation 1298613 (VCV001298613.37), dbSNP rs2141155515, ClinGen allele CA391997340.

ClinVar aggregate classification (germline): Uncertain significance. Review status: criteria provided, multiple submitters, no conflicts (2 of 4 stars). 2 submissions from 2 submitters: Uncertain significance (2). Last evaluated 2025-10-08.

Conditions:
Autosomal recessive limb-girdle muscular dystrophy type 2A (LGMDR1). Also called: LEYDEN-MOEBIUS MUSCULAR DYSTROPHY; MUSCULAR DYSTROPHY, PELVOFEMORAL; Limb-girdle muscular dystrophy, type 2A; Calpainopathy; Muscular dystrophy, limb-girdle, type 2A, Amish. Identifiers: Orphanet 267, MedGen C1869123, MONDO:0009675, OMIM 253600. Disease mechanism: loss of function.

Submissions (2):

Labcorp Genetics (formerly Invitae), Labcorp
Classification: Uncertain significance for Autosomal recessive limb-girdle muscular dystrophy type 2A. Last evaluated: 2025-10-08. Review status: criteria provided, single submitter. Criteria: Invitae Variant Classification Sherloc (09022015). Collection method: clinical testing. Allele origin: germline.
Comment: This sequence change replaces proline, which is neutral and non-polar, with histidine, which is basic and polar, at codon 109 of the CAPN3 protein (p.Pro109His). This variant is not present in population databases (gnomAD no frequency). This missense change has been observed in individual(s) with clinical features of limb-girdle muscular dystrophy (internal data). ClinVar contains an entry for this variant (Variation ID: 1298613). Invitae Evidence Modeling of protein sequence and biophysical properties (such as structural, functional, and spatial information, amino acid conservation, physicochemical variation, residue mobility, and thermodynamic stability) indicates that this missense variant is expected to disrupt CAPN3 protein function with a positive predictive value of 80%. In summary, the available evidence is currently insufficient to determine the role of this variant in disease. Therefore, it has been classified as a Variant of Uncertain Significance.

CeGaT Center for Human Genetics Tuebingen
Classification: Uncertain significance. Last evaluated: 2021-09-01. Review status: criteria provided, single submitter. Criteria: CeGaT Center For Human Genetics Tuebingen Variant Classification Criteria Version 2. Collection method: clinical testing. Allele origin: germline. Affected: yes. Observed: 1 variant allele.